The following is an entry in ClinVar:

ClinVar aggregate classification (germline): Uncertain significance (1 of 4 stars; one submission).

Conditions:
Hereditary cancer-predisposing syndrome. Also called: Hereditary Cancer Syndrome; Hereditary neoplastic syndrome; Neoplastic Syndromes, Hereditary; Tumor predisposition. Identifiers: Orphanet 140162, MedGen C0027672, MeSH D009386, MONDO:0015356.

Submission:

Ambry Genetics
Classification: Uncertain significance for Hereditary cancer-predisposing syndrome. Last evaluated: 2021-05-05. Review status: criteria provided, single submitter. Criteria: Ambry Variant Classification Scheme 2023. Collection method: clinical testing. Allele origin: germline.
Comment: The p.L321S variant (also known as c.962T>C), located in coding exon 4 of the PALB2 gene, results from a T to C substitution at nucleotide position 962. The leucine at codon 321 is replaced by serine, an amino acid with dissimilar properties. This amino acid position is poorly conserved in available vertebrate species. In addition, this alteration is predicted to be tolerated by in silico analysis. Since supporting evidence is limited at this time, the clinical significance of this alteration remains unclear.

NM_024675.4(PALB2):c.962T>C (p.Leu321Ser)

Gene: PALB2 (partner and localizer of BRCA2; minus strand). Cytogenetic location: 16p12.2.
Variant type: single nucleotide variant.
Coding change: c.962T>C on transcript NM_024675.4 (MANE Select); coding-DNA position 962, T replaced by C.
Protein change: p.Leu321Ser; replaces leucine 321 with serine.
Molecular consequence: missense variant.
Genome position (GRCh38, 1-based): chr16:23,635,584, A>G on the plus strand (T>C on the coding strand, the complement: PALB2 is on the minus strand). VCF-style: chr16-23635584-A-G. GRCh37 (hg19) VCF-style: chr16-23646905-A-G.
Other names: c.902T>C, p.Leu301Ser (NM_001407296.1); c.962T>C, p.Leu321Ser (NM_001407297.1, NM_001407298.1, NM_001407299.1 and 3 more transcripts); c.77T>C, p.Leu26Ser (NM_001407304.1, NM_001407305.1, NM_001407306.1 and 5 more transcripts); short protein forms L26S, L301S, L321S.
Identifiers: ClinVar variation 1767613 (VCV001767613.2), dbSNP rs2142429833, ClinGen allele CA395134976.